The following is an entry in ClinVar:

ClinVar aggregate classification (germline): Uncertain significance (1 of 4 stars; one submission).

Conditions:
Spastic paraplegia. Identifiers: MedGen C0037772, HP:0001258.

Allele frequency attached by ClinVar (database versions not stated): gnomAD exomes 0.00001 and 0.00002; ExAC 0.00002; gnomAD 0.00009; TOPMed 0.00010; 1000 Genomes Project 30x 0.00016; 1000 Genomes Project 0.00020.
gnomAD v4.1: 27 of 1,613,836 alleles (0.0017%); highest among the groups gnomAD compares: African/African-American, 0.025%; no homozygotes.

Submission:

Labcorp Genetics (formerly Invitae), Labcorp
Classification: Uncertain significance for Spastic paraplegia. Last evaluated: 2022-08-19. Review status: criteria provided, single submitter. Criteria: Invitae Variant Classification Sherloc (09022015). Collection method: clinical testing. Allele origin: germline.
Comment: This sequence change replaces leucine, which is neutral and non-polar, with serine, which is neutral and polar, at codon 87 of the ZFYVE26 protein (p.Leu87Ser). This variant is present in population databases (rs192944386, gnomAD 0.03%). This variant has not been reported in the literature in individuals affected with ZFYVE26-related conditions. ClinVar contains an entry for this variant (Variation ID: 945305). Algorithms developed to predict the effect of missense changes on protein structure and function (SIFT, PolyPhen-2, Align-GVGD) all suggest that this variant is likely to be tolerated. In summary, the available evidence is currently insufficient to determine the role of this variant in disease. Therefore, it has been classified as a Variant of Uncertain Significance.

NM_015346.4(ZFYVE26):c.260T>C (p.Leu87Ser)

Gene: ZFYVE26 (zinc finger FYVE-type containing 26; minus strand). Cytogenetic location: 14q24.1.
Variant type: single nucleotide variant.
Coding change: c.260T>C on transcript NM_015346.4 (MANE Select); coding-DNA position 260, T replaced by C.
Protein change: p.Leu87Ser; replaces leucine 87 with serine.
Molecular consequence: missense variant.
Genome position (GRCh38, 1-based): chr14:67,813,999, A>G on the plus strand (T>C on the coding strand, the complement: ZFYVE26 is on the minus strand). VCF-style: chr14-67813999-A-G. GRCh37 (hg19) VCF-style: chr14-68280716-A-G.
Other names: short protein forms L87S.
Identifiers: ClinVar variation 945305 (VCV000945305.3), dbSNP rs192944386, ClinGen allele CA7240853.